The following is an entry in ClinVar:

ClinVar aggregate classification (germline): Uncertain significance (1 of 4 stars; one submission).

Conditions:
Pyridoxal phosphate-responsive seizures (PNPOD). Also called: Pyridoxine-5'-phosphate oxidase deficiency; Pyridoxal 5'-Phosphate (PLP)-Dependent Epilepsy; EPILEPTIC ENCEPHALOPATHY, NEONATAL, PNPO-RELATED; SEIZURES, PYRIDOXINE-RESISTANT, PLP-SENSITIVE; Pyridoxamine 5-Prime-Phosphate Oxidase Deficiency. Identifiers: Orphanet 79096, MedGen C1864723, MONDO:0012407, OMIM 610090. Disease mechanism: loss of function.

Submission:

Labcorp Genetics (formerly Invitae), Labcorp
Classification: Uncertain significance for Pyridoxal phosphate-responsive seizures. Last evaluated: 2021-12-15. Review status: criteria provided, single submitter. Criteria: Invitae Variant Classification Sherloc (09022015). Collection method: clinical testing. Allele origin: germline.
Comment: This sequence change replaces proline, which is neutral and non-polar, with leucine, which is neutral and non-polar, at codon 162 of the PNPO protein (p.Pro162Leu). This variant is not present in population databases (gnomAD no frequency). This variant has not been reported in the literature in individuals affected with PNPO-related conditions. Algorithms developed to predict the effect of missense changes on protein structure and function are either unavailable or do not agree on the potential impact of this missense change (SIFT: "Deleterious"; PolyPhen-2: "Probably Damaging"; Align-GVGD: "Class C0"). In summary, the available evidence is currently insufficient to determine the role of this variant in disease. Therefore, it has been classified as a Variant of Uncertain Significance.

NM_018129.4(PNPO):c.485C>T (p.Pro162Leu)

Gene: PNPO (pyridoxamine 5'-phosphate oxidase; plus strand). Cytogenetic location: 17q21.32.
Variant type: single nucleotide variant.
Coding change: c.485C>T on transcript NM_018129.4 (MANE Select); coding-DNA position 485, C replaced by T.
Protein change: p.Pro162Leu; replaces proline 162 with leucine.
Molecular consequence: missense variant.
Genome position (GRCh38, 1-based): chr17:47,945,928, C>T. VCF-style: chr17-47945928-C-T. GRCh37 (hg19) VCF-style: chr17-46023294-C-T.
Other names: short protein forms P162L.
Identifiers: ClinVar variation 1402904 (VCV001402904.4), dbSNP rs2144165302, ClinGen allele CA400059030.